The following is an entry in ClinVar:

NM_004371.4(COPA):c.2398C>T (p.Pro800Ser)

Gene: COPA (coat protein complex I subunit alpha; minus strand). Cytogenetic location: 1q23.2.
Variant type: single nucleotide variant.
Coding change: c.2398C>T on transcript NM_004371.4 (MANE Select); coding-DNA position 2398, C replaced by T.
Protein change: p.Pro800Ser; replaces proline 800 with serine.
Molecular consequence: missense variant.
Genome position (GRCh38, 1-based): chr1:160,295,814, G>A on the plus strand (C>T on the coding strand, the complement: COPA is on the minus strand). VCF-style: chr1-160295814-G-A. GRCh37 (hg19) VCF-style: chr1-160265604-G-A.
Other names: c.2398C>T, p.Pro800Ser (LRG_1336t1); c.2425C>T, p.Pro809Ser (NM_001098398.2); short protein forms P800S, P809S.
Identifiers: ClinVar variation 573602 (VCV000573602.8), dbSNP rs1557861270, ClinGen allele CA343276348.

ClinVar aggregate classification (germline): Uncertain significance (1 of 4 stars; one submission).

Conditions:
Autoimmune interstitial lung disease-arthritis syndrome. Also called: Autoinflammation and autoimmunity, systemic, with immune dysregulation. Identifiers: Orphanet 444092, MedGen C5975714, MONDO:0014629.

Allele frequency attached by ClinVar (database versions not stated): gnomAD exomes below 0.00001.
gnomAD v4.1: 1 of 1,613,294 alleles (0.000062%); highest among the groups gnomAD compares: Non-Finnish European, 0.000085%; no homozygotes.

Submission:

Labcorp Genetics (formerly Invitae), Labcorp
Classification: Uncertain significance for Autoimmune interstitial lung disease-arthritis syndrome. Last evaluated: 2018-06-13. Review status: criteria provided, single submitter. Criteria: Invitae Variant Classification Sherloc (09022015). Collection method: clinical testing. Allele origin: germline.
Comment: Algorithms developed to predict the effect of missense changes on protein structure and function are either unavailable or do not agree on the potential impact of this missense change (SIFT: "Tolerated"; PolyPhen-2: "Possibly Damaging"; Align-GVGD: "Class C0"). In summary, the available evidence is currently insufficient to determine the role of this variant in disease. Therefore, it has been classified as a Variant of Uncertain Significance. This sequence change replaces proline with serine at codon 800 of the COPA protein (p.Pro800Ser). The proline residue is highly conserved and there is a moderate physicochemical difference between proline and serine. This variant is not present in population databases (ExAC no frequency). This variant has not been reported in the literature in individuals with COPA-related disease.